The following is an entry in ClinVar:

ClinVar aggregate classification (germline): Uncertain significance. Review status: criteria provided, multiple submitters, no conflicts (2 of 4 stars). 2 submissions from 2 submitters: Uncertain significance (2). Last evaluated 2025-10-23.

Conditions:
Hereditary cancer-predisposing syndrome. Also called: Neoplastic Syndromes, Hereditary; Tumor predisposition; Hereditary neoplastic syndrome; Hereditary Cancer Syndrome. Identifiers: Orphanet 140162, MedGen C0027672, MeSH D009386, MONDO:0015356.

Allele frequency attached by ClinVar (database versions not stated): gnomAD exomes 0.00001 and 0.00002.
gnomAD v4.1: 28 of 1,614,232 alleles (0.0017%); highest among the groups gnomAD compares: Non-Finnish European, 0.0024%; no homozygotes.

Submissions (2):

Labcorp Genetics (formerly Invitae), Labcorp
Classification: Uncertain significance. Last evaluated: 2025-10-23. Review status: criteria provided, single submitter. Criteria: Invitae Variant Classification Sherloc (09022015). Collection method: clinical testing. Allele origin: germline.
Comment: This sequence change replaces threonine, which is neutral and polar, with alanine, which is neutral and non-polar, at codon 223 of the CTNNA1 protein (p.Thr223Ala). This variant is present in population databases (no rsID available, gnomAD 0.002%). This variant has not been reported in the literature in individuals affected with CTNNA1-related conditions. ClinVar contains an entry for this variant (Variation ID: 826548). Invitae Evidence Modeling of protein sequence and biophysical properties (such as structural, functional, and spatial information, amino acid conservation, physicochemical variation, residue mobility, and thermodynamic stability) indicates that this missense variant is not expected to disrupt CTNNA1 protein function with a negative predictive value of 80%. In summary, the available evidence is currently insufficient to determine the role of this variant in disease. Therefore, it has been classified as a Variant of Uncertain Significance.

Ambry Genetics
Classification: Uncertain significance for Hereditary cancer-predisposing syndrome. Last evaluated: 2025-04-10. Review status: criteria provided, single submitter. Criteria: Ambry Variant Classification Scheme 2023. Collection method: clinical testing. Allele origin: germline.
Comment: The p.T223A variant (also known as c.667A>G), located in coding exon 5 of the CTNNA1 gene, results from an A to G substitution at nucleotide position 667. The threonine at codon 223 is replaced by alanine, an amino acid with similar properties. This amino acid position is highly conserved in available vertebrate species. In addition, this alteration is predicted to be deleterious by in silico analysis. Since supporting evidence is limited at this time, the clinical significance of this alteration remains unclear.

NM_001903.5(CTNNA1):c.667A>G (p.Thr223Ala)

Gene: CTNNA1 (catenin alpha 1; plus strand). Cytogenetic location: 5q31.2.
Variant type: single nucleotide variant.
Coding change: c.667A>G on transcript NM_001903.5 (MANE Select); coding-DNA position 667, A replaced by G.
Protein change: p.Thr223Ala; replaces threonine 223 with alanine.
Molecular consequence: missense variant.
Genome position (GRCh38, 1-based): chr5:138,824,608, A>G. VCF-style: chr5-138824608-A-G. GRCh37 (hg19) VCF-style: chr5-138160297-A-G.
Other names: c.667A>G, p.Thr223Ala (NM_001290307.3, NM_001323982.2, NM_001323983.1 and 3 more transcripts); c.358A>G, p.Thr120Ala (NM_001290309.3); c.298A>G, p.Thr100Ala (NM_001290310.3); short protein forms T120A, T100A, T223A.
Identifiers: ClinVar variation 826548 (VCV000826548.15), dbSNP rs1251595713, ClinGen allele CA361129647.
Genomic context (GRCh38, chr5:138,824,608, plus strand): 5'-CATCGTGATCAGATGGCTGCAGCTAGAGGAATCCTGCAGAAGAACGTTCCGATCCTCTAT[A>G]CTGCATCCCAGGCATGCCTACAGCACCCTGATGTCGCAGCCTATAAGGCCAACAGGGACC-3'
Protein context (NP_001894.2, residues 213-233): ILQKNVPILY[Thr223Ala]ASQACLQHPD